The following is an entry in ClinVar:

NM_006885.4(ZFHX3):c.2382G>A (p.Ser794=)

Gene: ZFHX3 (zinc finger homeobox 3; minus strand). Cytogenetic location: 16q22.3.
Variant type: single nucleotide variant.
Coding change: c.2382G>A on transcript NM_006885.4 (MANE Select); coding-DNA position 2382, G replaced by A.
Protein change: p.Ser794=; no amino-acid change (serine 794 retained).
Molecular consequence: synonymous variant. On other transcripts: intron variant (1).
Genome position (GRCh38, 1-based): chr16:72,957,764, C>T on the plus strand (G>A on the coding strand, the complement: ZFHX3 is on the minus strand). VCF-style: chr16-72957764-C-T. GRCh37 (hg19) VCF-style: chr16-72991663-C-T.
Other names: c.2382G>A, p.Ser794= (NM_001386735.1); c.-23-6799G>A (NM_001164766.2).
Identifiers: ClinVar variation 2646840 (VCV002646840.25), dbSNP rs143678779, ClinGen allele CA8164425.

ClinVar aggregate classification (germline): Likely benign. Review status: criteria provided, multiple submitters, no conflicts (2 of 4 stars). 2 submissions from 2 submitters: Likely benign (2). Last evaluated 2025-11-01.

Allele frequency attached by ClinVar (database versions not stated): ESP Exome Variant Server 0.00031; 1000 Genomes Project 0.00040; 1000 Genomes Project 30x 0.00047.
gnomAD v4.1: 680 of 1,614,056 alleles (0.042%); highest among the groups gnomAD compares: Middle Eastern, 0.41%; 3 homozygotes.

Submissions (2):

CeGaT Center for Human Genetics Tuebingen
Classification: Likely benign. Last evaluated: 2025-11-01. Review status: criteria provided, single submitter. Criteria: CeGaT Center For Human Genetics Tuebingen Variant Classification Criteria Version 2. Collection method: clinical testing. Allele origin: germline. Affected: yes. Observed: 2 variant alleles.
Comment: ZFHX3: BP4, BP7

Blueprint Genetics
Classification: Likely benign. Last evaluated: 2024-11-27. Review status: criteria provided, single submitter. Criteria: ACMG Guidelines, 2015. Collection method: clinical testing. Allele origin: germline.